The following is an entry in ClinVar:

ClinVar aggregate classification (germline): Conflicting classifications of pathogenicity. Review status: criteria provided, conflicting classifications (1 of 4 stars). 4 submissions from 4 submitters: Uncertain significance (2); Benign (1); Likely benign (1). Last evaluated 2025-03-24.

Conditions:
MAMLD1-related disorder. Also called: MAMLD1-related condition.
Inborn genetic diseases. Identifiers: MedGen C0950123, MeSH D030342.
Hypospadias 2, X-linked (HYSP2). Identifiers: Orphanet 440, MedGen C2677879, MONDO:0010423, OMIM 300758.

Allele frequency attached by ClinVar (database versions not stated): gnomAD exomes 0.00004; ExAC 0.00014; ESP Exome Variant Server 0.00028; TOPMed 0.00031; gnomAD 0.00034; 1000 Genomes Project 0.00079; 1000 Genomes Project 30x 0.00104.
gnomAD v4.1: 87 of 1,210,407 alleles (0.0072%); highest among the groups gnomAD compares: African/African-American, 0.084%; no homozygotes.

Submissions (4):

PreventionGenetics, part of Exact Sciences
Classification: Likely benign for MAMLD1-related condition. Last evaluated: 2025-03-24. Review status: criteria provided, single submitter. Criteria: ACMG Guidelines, 2015. Collection method: clinical testing. Allele origin: germline.
Comment: This variant is classified as likely benign based on ACMG/AMP sequence variant interpretation guidelines (Richards et al. 2015 PMID: 25741868, with internal and published modifications).

Labcorp Genetics (formerly Invitae), Labcorp
Classification: Benign. Last evaluated: 2024-08-22. Review status: criteria provided, single submitter. Criteria: Invitae Variant Classification Sherloc (09022015). Collection method: clinical testing. Allele origin: germline.

Ambry Genetics
Classification: Uncertain significance for Inborn genetic diseases. Last evaluated: 2021-09-16. Review status: criteria provided, single submitter. Criteria: Ambry Variant Classification Scheme 2023. Collection method: clinical testing. Allele origin: germline.

Department of Pathology and Laboratory Medicine, Sinai Health System
Classification: Uncertain significance for hypospadias 2, X-linked. Last evaluated: 2021-03-09. Review status: criteria provided, single submitter. Criteria: ACMG Guidelines, 2015. Collection method: research. Allele origin: germline.

NM_005491.5(MAMLD1):c.1868G>A (p.Arg623His)

Gene: MAMLD1 (mastermind like domain containing 1; plus strand). Cytogenetic location: Xq28.
Variant type: single nucleotide variant.
Coding change: c.1868G>A on transcript NM_005491.5 (MANE Select); coding-DNA position 1868, G replaced by A.
Protein change: p.Arg623His; replaces arginine 623 with histidine.
Molecular consequence: missense variant.
Genome position (GRCh38, 1-based): chrX:150,471,441, G>A. VCF-style: chrX-150471441-G-A. GRCh37 (hg19) VCF-style: chrX-149639713-G-A.
Other names: c.1793G>A, p.Arg598His (NM_001177465.3, NM_001177466.3, NM_001400514.1); c.1868G>A, p.Arg623His (NM_001400512.1, NM_001400513.1, NM_001400515.1); short protein forms R598H, R623H.
Identifiers: ClinVar variation 2277722 (VCV002277722.6), dbSNP rs145175147, ClinGen allele CA10538869.